The following is an entry in ClinVar:

NM_004064.5(CDKN1B):c.321G>T (p.Gln107His)

Gene: CDKN1B (cyclin dependent kinase inhibitor 1B; plus strand). Cytogenetic location: 12p13.1.
Variant type: single nucleotide variant.
Coding change: c.321G>T on transcript NM_004064.5 (MANE Select); coding-DNA position 321, G replaced by T.
Protein change: p.Gln107His; replaces glutamine 107 with histidine.
Molecular consequence: missense variant.
Genome position (GRCh38, 1-based): chr12:12,718,160, G>T. VCF-style: chr12-12718160-G-T. GRCh37 (hg19) VCF-style: chr12-12871094-G-T.
Other names: short protein forms Q107H.
Identifiers: ClinVar variation 485510 (VCV000485510.10), dbSNP rs370811357, ClinGen allele CA233060235.
Genomic context (GRCh38, chr12:12,718,160, plus strand): 5'-CTACTACAGACCCCCGCGGCCCCCCAAAGGTGCCTGCAAGGTGCCGGCGCAGGAGAGCCA[G>T]GATGTCAGCGGGAGCCGCCCGGCGGCGCCTTTAATTGGGGCTCCGGCTAACTCTGAGGAC-3'
Protein context (NP_004055.1, residues 97-117): GACKVPAQES[Gln107His]DVSGSRPAAP

ClinVar aggregate classification (germline): Conflicting classifications of pathogenicity. Review status: criteria provided, conflicting classifications (1 of 4 stars). 2 submissions from 2 submitters: Uncertain significance (1); Likely benign (1). Last evaluated 2024-12-04.

Conditions:
Hereditary cancer-predisposing syndrome. Also called: Hereditary neoplastic syndrome; Neoplastic Syndromes, Hereditary; Tumor predisposition; Hereditary Cancer Syndrome. Identifiers: Orphanet 140162, MedGen C0027672, MeSH D009386, MONDO:0015356.
Multiple endocrine neoplasia type 4. Also called: MULTIPLE ENDOCRINE NEOPLASIA, TYPE IV. Identifiers: Orphanet 276152, MedGen C1970712, MONDO:0012552, OMIM 610755.

Allele frequency attached by ClinVar (database versions not stated): gnomAD below 0.00001 and 0.00001; gnomAD exomes below 0.00001 and 0.00001; TOPMed below 0.00001; ESP Exome Variant Server 0.00008.
gnomAD v4.1: 5 of 1,613,638 alleles (0.00031%); highest among the groups gnomAD compares: South Asian, 0.0011%; no homozygotes.

Submissions (2):

Labcorp Genetics (formerly Invitae), Labcorp
Classification: Uncertain significance for Multiple endocrine neoplasia type 4. Last evaluated: 2024-12-04. Review status: criteria provided, single submitter. Criteria: Invitae Variant Classification Sherloc (09022015). Collection method: clinical testing. Allele origin: germline.
Comment: This sequence change replaces glutamine, which is neutral and polar, with histidine, which is basic and polar, at codon 107 of the CDKN1B protein (p.Gln107His). This variant is present in population databases (rs370811357, gnomAD 0.0009%). This variant has not been reported in the literature in individuals affected with CDKN1B-related conditions. ClinVar contains an entry for this variant (Variation ID: 485510). An algorithm developed to predict the effect of missense changes on protein structure and function (PolyPhen-2) suggests that this variant is likely to be tolerated. In summary, the available evidence is currently insufficient to determine the role of this variant in disease. Therefore, it has been classified as a Variant of Uncertain Significance.

Ambry Genetics
Classification: Likely benign for Hereditary cancer-predisposing syndrome. Last evaluated: 2023-12-18. Review status: criteria provided, single submitter. Criteria: Ambry Variant Classification Scheme 2023. Collection method: clinical testing. Allele origin: germline.